The following is an entry in ClinVar:

NM_016333.4(SRRM2):c.4613G>T (p.Arg1538Leu)

Gene: SRRM2 (serine/arginine repetitive matrix 2; plus strand). Cytogenetic location: 16p13.3.
Variant type: single nucleotide variant.
Coding change: c.4613G>T on transcript NM_016333.4 (MANE Select); coding-DNA position 4613, G replaced by T.
Protein change: p.Arg1538Leu; replaces arginine 1538 with leucine.
Molecular consequence: missense variant.
Genome position (GRCh38, 1-based): chr16:2,765,141, G>T. VCF-style: chr16-2765141-G-T. GRCh37 (hg19) VCF-style: chr16-2815142-G-T.
Other names: short protein forms R1538L.
Identifiers: ClinVar variation 4681148 (VCV004681148.1).

ClinVar aggregate classification (germline): Uncertain significance (1 of 4 stars; one submission).

Submission:

GeneDx
Classification: Uncertain significance. Last evaluated: 2025-07-03. Review status: criteria provided, single submitter. Criteria: GeneDx Variant Classification Process June 2021. Collection method: clinical testing. Allele origin: germline. Affected: yes.
Comment: Not observed at significant frequency in large population cohorts (gnomAD); In silico analysis suggests that this missense variant does not alter protein structure/function; Has not been previously published as pathogenic or benign to our knowledge